The following is an entry in ClinVar:

ClinVar aggregate classification (germline): Uncertain significance. Review status: criteria provided, multiple submitters, no conflicts (2 of 4 stars). 2 submissions from 2 submitters: Uncertain significance (2). Last evaluated 2023-08-23.

Conditions:
Familial thoracic aortic aneurysm and aortic dissection (TAAD). Also called: Thoracic aortic aneurysms and dissections. Identifiers: Orphanet 91387, MedGen C4707243, MONDO:0019625.

Allele frequency attached by ClinVar (database versions not stated): gnomAD 0.00001; TOPMed 0.00001.
gnomAD v4.1: 2 of 1,613,926 alleles (0.00012%); highest among the groups gnomAD compares: African/African-American, 0.0027%; no homozygotes.

Submissions (2):

All of Us Research Program, National Institutes of Health
Classification: Uncertain significance for Familial thoracic aortic aneurysm and aortic dissection. Last evaluated: 2023-08-23. Review status: criteria provided, single submitter. Criteria: ACMG Guidelines, 2015. Collection method: clinical testing. Allele origin: germline. Inheritance: Autosomal dominant inheritance. Observed: 1 variant allele, 1 heterozygote.
Comment: This missense variant replaces alanine with threonine at codon 230 of the ACTA2 protein. Computational prediction suggests that this variant may not impact protein structure and function (internally defined REVEL score threshold <= 0.5, PMID: 27666373). To our knowledge, functional studies have not been reported for this variant. This variant has not been reported in individuals affected with ACTA2-related disorders in the literature. This variant has been identified in 2/282278 chromosomes in the general population by the Genome Aggregation Database (gnomAD). The available evidence is insufficient to determine the role of this variant in disease conclusively. Therefore, this variant is classified as a Variant of Uncertain Significance.

This study involves interpretation of variants in research participants for the purpose of population health screening. Participant phenotype was not available at the time of variant classification. Additional details can be found in publication PMID: 35346344, PMCID: PMC8962531

Ambry Genetics
Classification: Uncertain significance for Familial thoracic aortic aneurysm and aortic dissection. Last evaluated: 2022-12-14. Review status: criteria provided, single submitter. Criteria: Ambry Variant Classification Scheme 2023. Collection method: clinical testing. Allele origin: germline.
Comment: The p.A230T variant (also known as c.688G>A), located in coding exon 6 of the ACTA2 gene, results from a G to A substitution at nucleotide position 688. The alanine at codon 230 is replaced by threonine, an amino acid with similar properties. This amino acid position is conserved. In addition, the in silico prediction for this alteration is inconclusive. Since supporting evidence is limited at this time, the clinical significance of this alteration remains unclear.

NM_001613.4(ACTA2):c.688G>A (p.Ala230Thr)

Genes: ACTA2-AS1 (ACTA2 antisense RNA 1; plus strand), ACTA2 (actin alpha 2, smooth muscle; minus strand). Cytogenetic location: 10q23.31.
Variant type: single nucleotide variant.
Coding change: c.688G>A on transcript NM_001613.4 (MANE Select); coding-DNA position 688, G replaced by A.
Protein change: p.Ala230Thr; replaces alanine 230 with threonine.
Molecular consequence: missense variant. On other transcripts: non-coding transcript variant (1), intron variant (1).
Genome position (GRCh38, 1-based): chr10:88,939,627, C>T on the plus strand (G>A on the coding strand, the complement: ACTA2 is on the minus strand). VCF-style: chr10-88939627-C-T. GRCh37 (hg19) VCF-style: chr10-90699384-C-T.
Other names: c.688G>A, p.Ala230Thr (NM_001141945.3, NM_001320855.2, NM_001406462.1 and 2 more transcripts); c.577G>A, p.Ala193Thr (NM_001406466.1); c.559G>A, p.Ala187Thr (NM_001406467.1, NM_001406468.1, NM_001406469.1); c.617-1385G>A (NM_001406471.1); short protein forms A187T, A230T, A193T.
Identifiers: ClinVar variation 2450526 (VCV002450526.3), dbSNP rs1325861075, ClinGen allele CA377511393.